The following is an entry in ClinVar:

NM_004525.3(LRP2):c.5026C>A (p.Gln1676Lys)

Gene: LRP2 (LDL receptor related protein 2; minus strand). Cytogenetic location: 2q31.1.
Variant type: single nucleotide variant.
Coding change: c.5026C>A on transcript NM_004525.3 (MANE Select); coding-DNA position 5026, C replaced by A.
Protein change: p.Gln1676Lys; replaces glutamine 1676 with lysine.
Molecular consequence: missense variant.
Genome position (GRCh38, 1-based): chr2:169,233,483, G>T on the plus strand (C>A on the coding strand, the complement: LRP2 is on the minus strand). VCF-style: chr2-169233483-G-T. GRCh37 (hg19) VCF-style: chr2-170089993-G-T.
Other names: short protein forms Q1676K.
Identifiers: ClinVar variation 2894913 (VCV002894913.1), dbSNP rs1307646045, ClinGen allele CA349141145.

ClinVar aggregate classification (germline): Uncertain significance (1 of 4 stars; one submission).

Allele frequency attached by ClinVar (database versions not stated): gnomAD 0.00002; TOPMed 0.00002.
gnomAD v4.1: 12 of 1,614,002 alleles (0.00074%); highest among the groups gnomAD compares: South Asian, 0.0022%; no homozygotes.

Submission:

Labcorp Genetics (formerly Invitae), Labcorp
Classification: Uncertain significance. Last evaluated: 2024-01-09. Review status: criteria provided, single submitter. Criteria: Invitae Variant Classification Sherloc (09022015). Collection method: clinical testing. Allele origin: germline.
Comment: This sequence change replaces glutamine, which is neutral and polar, with lysine, which is basic and polar, at codon 1676 of the LRP2 protein (p.Gln1676Lys). This variant is present in population databases (no rsID available, gnomAD 0.007%). This variant has not been reported in the literature in individuals affected with LRP2-related conditions. An algorithm developed to predict the effect of missense changes on protein structure and function (PolyPhen-2) suggests that this variant¬†is likely to be tolerated. In summary, the available evidence is currently insufficient to determine the role of this variant in disease. Therefore, it has been classified as a Variant of Uncertain Significance.